The following is an entry in ClinVar:

NM_198525.3(KIF7):c.716_720dup (p.Gly241fs)

Gene: KIF7 (kinesin family member 7; minus strand). Cytogenetic location: 15q26.1.
Variant type: Microsatellite.
Coding change: c.716_720dup on transcript NM_198525.3 (MANE Select); coding-DNA positions 716 to 720, 5 bases duplicated (CCCCG; older notation c.716_720dupCCCCG).
Protein change: p.Gly241fs; shifts the reading frame from glycine 241.
Molecular consequence: frameshift variant.
Genome position (GRCh38, 1-based): chr15:89,649,177-89,649,181, CGGGG duplicated on the plus strand (CCCCG on the coding strand, the reverse complement: KIF7 is on the minus strand); duplicating any 5 consecutive bases within chr15:89,649,177-89,649,191 gives the same sequence; the c. name uses the placement nearest the transcript's 3' end. VCF-style (leftmost placement, unchanged base first): chr15-89649176-C-CCGGGG. GRCh37 (hg19) VCF-style: chr15-90192407-C-CCGGGG.
Other names: short protein forms G241fs.
Identifiers: ClinVar variation 1324625 (VCV001324625.8), dbSNP rs1567067864, ClinGen allele CA619858356.

ClinVar aggregate classification (germline): Pathogenic/Likely pathogenic. Review status: criteria provided, multiple submitters, no conflicts (2 of 4 stars). 4 submissions from 4 submitters: Pathogenic (2); Likely pathogenic (2). Last evaluated 2026-07-15.

Conditions:
Acrocallosal syndrome (ACLS). Also called: Schinzel syndrome 1; Absence of corpus callosum with unusual facial appearance, mental deficiency, duplication of the halluces and polydactyly; HALLUX DUPLICATION, POSTAXIAL POLYDACTYLY, AND ABSENCE OF CORPUS CALLOSUM. Identifiers: Orphanet 36, MedGen C0796147, MONDO:0008708, OMIM 200990.
KIF7-related disorder. Also called: KIF7-related condition.
Fetal anomalies with a likely genetic cause.

Submissions (4):

Genetics Laboratory, Great Ormond Street Hospital NHS Foundation Trust, North Thames Genomic Laboratory Hub
Classification: Pathogenic for Fetal anomalies with a likely genetic cause. Last evaluated: 2026-07-15. Review status: criteria provided, single submitter. Criteria: ACGS Best Practice Guidelines for Variant Classification in Rare Disease 2024 v1.2. Collection method: clinical testing. Allele origin: germline. Affected: yes.
Comment: PM2_moderate, PVS1_very-strong

Labcorp Genetics (formerly Invitae), Labcorp
Classification: Pathogenic for Acrocallosal syndrome. Last evaluated: 2023-08-10. Review status: criteria provided, single submitter. Criteria: Invitae Variant Classification Sherloc (09022015). Collection method: clinical testing. Allele origin: germline.
Comment: For these reasons, this variant has been classified as Pathogenic. This variant has not been reported in the literature in individuals affected with KIF7-related conditions. This variant is present in population databases (no rsID available, gnomAD 0.02%). This sequence change creates a premature translational stop signal (p.Gly241Profs*83) in the KIF7 gene. It is expected to result in an absent or disrupted protein product. Loss-of-function variants in KIF7 are known to be pathogenic (PMID: 19666503, 21552264, 21633164, 26648833).

Blueprint Genetics
Classification: Likely pathogenic for KIF7-related disorders. Last evaluated: 2022-06-13. Review status: criteria provided, single submitter. Criteria: ACMG Guidelines, 2015. Collection method: clinical testing. Allele origin: germline. Affected: yes. Observed: 1 variant allele.

Revvity Omics, Revvity
Classification: Likely pathogenic. Last evaluated: 2021-06-22. Review status: criteria provided, single submitter. Criteria: ACMG Guidelines, 2015. Collection method: clinical testing. Allele origin: germline.

Literature cited by the submitters: PubMed 19666503 (cited by Labcorp Genetics (formerly Invitae), Labcorp); PubMed 21552264 (cited by Labcorp Genetics (formerly Invitae), Labcorp); PubMed 21633164 (cited by Labcorp Genetics (formerly Invitae), Labcorp); PubMed 26648833 (cited by Labcorp Genetics (formerly Invitae), Labcorp).